The following is an entry in ClinVar:

NM_021942.6(TRAPPC11):c.665T>C (p.Leu222Ser)

Gene: TRAPPC11 (trafficking protein particle complex subunit 11; plus strand). Cytogenetic location: 4q35.1.
Variant type: single nucleotide variant.
Coding change: c.665T>C on transcript NM_021942.6 (MANE Select); coding-DNA position 665, T replaced by C.
Protein change: p.Leu222Ser; replaces leucine 222 with serine.
Molecular consequence: missense variant.
Genome position (GRCh38, 1-based): chr4:183,675,168, T>C. VCF-style: chr4-183675168-T-C. GRCh37 (hg19) VCF-style: chr4-184596321-T-C.
Other names: c.665T>C, p.Leu222Ser (NM_199053.3); short protein forms L222S.
Identifiers: ClinVar variation 2782175 (VCV002782175.2), dbSNP rs2476829536, ClinGen allele CA358861228.

ClinVar aggregate classification (germline): Uncertain significance (1 of 4 stars; one submission).

Conditions:
Autosomal recessive limb-girdle muscular dystrophy type R18 (LGMDR18). Also called: Autosomal recessive limb-girdle muscular dystrophy type 2S; Limb-girdle muscular dystrophy, type 2S; MUSCULAR DYSTROPHY, LIMB-GIRDLE, AUTOSOMAL RECESSIVE 18. Identifiers: Orphanet 369840, MedGen C4517996, MONDO:0014144, OMIM 615356.

gnomAD v4.1: 1 of 1,504,232 alleles (0.000066%); highest among the groups gnomAD compares: Non-Finnish European, 0.000089%; no homozygotes.

Submission:

Labcorp Genetics (formerly Invitae), Labcorp
Classification: Uncertain significance for Autosomal recessive limb-girdle muscular dystrophy type R18. Last evaluated: 2024-10-29. Review status: criteria provided, single submitter. Criteria: Invitae Variant Classification Sherloc (09022015). Collection method: clinical testing. Allele origin: germline.
Comment: This sequence change replaces leucine, which is neutral and non-polar, with serine, which is neutral and polar, at codon 222 of the TRAPPC11 protein (p.Leu222Ser). This variant is not present in population databases (gnomAD no frequency). This variant has not been reported in the literature in individuals affected with TRAPPC11-related conditions. ClinVar contains an entry for this variant (Variation ID: 2782175). Invitae Evidence Modeling of protein sequence and biophysical properties (such as structural, functional, and spatial information, amino acid conservation, physicochemical variation, residue mobility, and thermodynamic stability) indicates that this missense variant is expected to disrupt TRAPPC11 protein function with a positive predictive value of 80%. In summary, the available evidence is currently insufficient to determine the role of this variant in disease. Therefore, it has been classified as a Variant of Uncertain Significance.